The following is an entry in ClinVar:

NM_000211.5(ITGB2):c.311C>T (p.Thr104Met)

Gene: ITGB2 (integrin subunit beta 2; minus strand). Cytogenetic location: 21q22.3.
Variant type: single nucleotide variant.
Coding change: c.311C>T on transcript NM_000211.5 (MANE Select); coding-DNA position 311, C replaced by T.
Protein change: p.Thr104Met; replaces threonine 104 with methionine.
Molecular consequence: missense variant.
Genome position (GRCh38, 1-based): chr21:44,906,932, G>A on the plus strand (C>T on the coding strand, the complement: ITGB2 is on the minus strand). VCF-style: chr21-44906932-G-A. GRCh37 (hg19) VCF-style: chr21-46326847-G-A.
Other names: c.311C>T, p.Thr104Met (NM_001127491.3); c.104C>T, p.Thr35Met (NM_001303238.2); short protein forms T104M, T35M.
Identifiers: ClinVar variation 626120 (VCV000626120.16), dbSNP rs138682103, ClinGen allele CA10063269.

ClinVar aggregate classification (germline): Conflicting classifications of pathogenicity. Review status: criteria provided, conflicting classifications (1 of 4 stars). 4 submissions from 4 submitters: Uncertain significance (2); Likely benign (1). 1 of the submissions does not count toward it. Last evaluated 2026-01-12.

Conditions:
ITGB2-related disorder. Also called: ITGB2-related condition.
Leukocyte adhesion deficiency 1 (LAD1). Also called: LAD 1; Lymphocyte function-associated antigen 1 immunodeficiency; LFA 1 immunodeficiency; LEUKOCYTE ADHESION DEFICIENCY, TYPE I. Identifiers: Orphanet 2968, Orphanet 99842, MedGen C0398738, MONDO:0007293, OMIM 116920.

Allele frequency attached by ClinVar (database versions not stated): ExAC 0.00055; 1000 Genomes Project 0.00120; gnomAD 0.00121; 1000 Genomes Project 30x 0.00125; TOPMed 0.00148; ESP Exome Variant Server 0.00169.
gnomAD v4.1: 378 of 1,614,166 alleles (0.023%); highest among the groups gnomAD compares: African/African-American, 0.41%; no homozygotes.

Submissions (4):

Labcorp Genetics (formerly Invitae), Labcorp
Classification: Likely benign for Leukocyte adhesion deficiency 1. Last evaluated: 2026-01-12. Review status: criteria provided, single submitter. Criteria: Invitae Variant Classification Sherloc (09022015). Collection method: clinical testing. Allele origin: germline.

Blueprint Genetics
Classification: Uncertain significance. Last evaluated: 2024-10-15. Review status: criteria provided, single submitter. Criteria: ACMG Guidelines, 2015. Collection method: clinical testing. Allele origin: germline.

Center for Genomics, Ann and Robert H. Lurie Children's Hospital of Chicago
Classification: Uncertain significance for Leukocyte adhesion deficiency 1. Last evaluated: 2021-03-30. Review status: criteria provided, single submitter. Criteria: ACMG Guidelines, 2015. Collection method: clinical testing. Allele origin: germline.
Comment: ITGB2 NM_000211 exon 4 p.Thr104Met (c.311C>T): This variant has not been reported in the literature but is present in 0.4% (114/24026) of African alleles in the Genome Aggregation Database. Evolutionary conservation and computational predictive tools for this variant are unclear. In summary, data on this variant is insufficient for disease classification. Therefore, the clinical significance of this variant is uncertain.

PreventionGenetics, part of Exact Sciences
Classification: Likely benign for ITGB2-related condition. Last evaluated: 2023-07-10. Review status: no assertion criteria provided. Collection method: clinical testing. Allele origin: germline. Not counted in ClinVar's aggregate classification.
Comment: This variant is classified as likely benign based on ACMG/AMP sequence variant interpretation guidelines (Richards et al. 2015 PMID: 25741868, with internal and published modifications).